The following is an entry in ClinVar:

NM_001048174.2(MUTYH):c.1464G>A (p.Pro488=)

Gene: MUTYH (mutY DNA glycosylase; minus strand). Cytogenetic location: 1p34.1.
Variant type: single nucleotide variant.
Coding change: c.1464G>A on transcript NM_001048174.2 (MANE Select); coding-DNA position 1464, G replaced by A.
Protein change: p.Pro488=; no amino-acid change (proline 488 retained).
Molecular consequence: synonymous variant. On other transcripts: non-coding transcript variant (2).
Genome position (GRCh38, 1-based): chr1:45,329,408, C>T on the plus strand (G>A on the coding strand, the complement: MUTYH is on the minus strand). VCF-style: chr1-45329408-C-T. GRCh37 (hg19) VCF-style: chr1-45795080-C-T.
Other names: c.1464G>A, p.Pro488= (NM_001048171.2, NM_001048173.2, NM_001293195.2); c.1467G>A, p.Pro489= (NM_001048172.2); c.1548G>A, p.Pro516= (NM_001128425.2); c.1509G>A, p.Pro503= (NM_001293190.2); c.1497G>A, p.Pro499= (NM_001293191.2); c.1188G>A, p.Pro396= (NM_001293192.2, NM_001293196.2); c.1119G>A, p.Pro373= (NM_001350650.2, NM_001350651.2); c.1539G>A, p.Pro513= (NM_012222.3).
Identifiers: ClinVar variation 184566 (VCV000184566.57), dbSNP rs143796254, ClinGen allele CA012995.

ClinVar aggregate classification (germline): Conflicting classifications of pathogenicity. Review status: criteria provided, conflicting classifications (1 of 4 stars). 15 submissions from 15 submitters: Uncertain significance (1); Benign (1); Likely benign (12). 1 of the submissions does not count toward it. Last evaluated 2026-02-01.

Conditions:
MUTYH-related disorder. Also called: MUTYH-related condition; MUTYH-related disorders.
Hereditary cancer-predisposing syndrome. Also called: Tumor predisposition; Neoplastic Syndromes, Hereditary; Hereditary Cancer Syndrome; Hereditary neoplastic syndrome. Identifiers: Orphanet 140162, MedGen C0027672, MeSH D009386, MONDO:0015356.
Familial adenomatous polyposis 2. Also called: MUTYH Polyposis; ADENOMAS, MULTIPLE COLORECTAL, AUTOSOMAL RECESSIVE; Adenomas, multiple colorectal; MYH-associated polyposis; FAP type 2; MUTYH-related attenuated familial adenomatous polyposis. Identifiers: Orphanet 220460, Orphanet 247798, MedGen C3272841, MONDO:0012041, OMIM 608456.

Allele frequency attached by ClinVar (database versions not stated): ESP Exome Variant Server 0.00008; gnomAD 0.00011; TOPMed 0.00011; ExAC 0.00012; gnomAD exomes 0.00013 and 0.00025; 1000 Genomes Project 30x 0.00016; 1000 Genomes Project 0.00020.
gnomAD v4.1: 387 of 1,614,006 alleles (0.024%); highest among the groups gnomAD compares: Non-Finnish European, 0.031%; no homozygotes.

Submissions (15):

Labcorp Genetics (formerly Invitae), Labcorp
Classification: Likely benign for Familial adenomatous polyposis 2. Last evaluated: 2026-02-01. Review status: criteria provided, single submitter. Criteria: Invitae Variant Classification Sherloc (09022015). Collection method: clinical testing. Allele origin: germline.

Center for Genomic Medicine, Rigshospitalet, Copenhagen University Hospital
Classification: Likely benign. Last evaluated: 2025-03-04. Review status: criteria provided, single submitter. Criteria: ACMG Guidelines, 2015. Collection method: clinical testing. Allele origin: germline.

Blueprint Genetics
Classification: Likely benign. Last evaluated: 2024-10-09. Review status: criteria provided, single submitter. Criteria: ACMG Guidelines, 2015. Collection method: clinical testing. Allele origin: germline.

CeGaT Center for Human Genetics Tuebingen
Classification: Likely benign. Last evaluated: 2024-10-01. Review status: criteria provided, single submitter. Criteria: CeGaT Center For Human Genetics Tuebingen Variant Classification Criteria Version 2. Collection method: clinical testing. Allele origin: germline. Affected: yes. Observed: 1 variant allele.
Comment: MUTYH: BP4, BP7

All of Us Research Program, National Institutes of Health
Classification: Likely benign for Familial adenomatous polyposis 2. Last evaluated: 2024-02-05. Review status: criteria provided, single submitter. Criteria: ACMG Guidelines, 2015. Collection method: clinical testing. Allele origin: germline. Inheritance: Autosomal recessive inheritance. Observed: 45 variant alleles, 45 heterozygotes.
Comment: This study involves interpretation of variants in research participants for the purpose of population health screening. Participant phenotype was not available at the time of variant classification. Additional details can be found in publication PMID: 35346344, PMCID: PMC8962531

ARUP Laboratories, Molecular Genetics and Genomics, ARUP Laboratories
Classification: Likely benign. Last evaluated: 2023-11-09. Review status: criteria provided, single submitter. Criteria: ARUP Molecular Germline Variant Investigation Process 2024. Collection method: clinical testing. Allele origin: germline.

Institute for Biomarker Research, Medical Diagnostic Laboratories, L.L.C.
Classification: Likely benign for Hereditary cancer-predisposing syndrome. Last evaluated: 2022-12-20. Review status: criteria provided, single submitter. Criteria: ACMG Guidelines, 2015. Collection method: clinical testing. Allele origin: germline.

Sema4
Classification: Likely benign for Hereditary cancer-predisposing syndrome. Last evaluated: 2021-03-31. Review status: criteria provided, single submitter. Criteria: Sema4 Curation Guidelines. Collection method: curation. Allele origin: germline.

Quest Diagnostics Nichols Institute San Juan Capistrano
Classification: Likely benign. Last evaluated: 2021-02-04. Review status: criteria provided, single submitter. Criteria: Quest Diagnostics criteria. Collection method: clinical testing. Allele origin: unknown.

Women's Health and Genetics/Laboratory Corporation of America, LabCorp
Classification: Likely benign. Last evaluated: 2019-08-29. Review status: criteria provided, single submitter. Criteria: LabCorp Variant Classification Summary - May 2015. Collection method: clinical testing. Allele origin: germline.

Illumina Laboratory Services, Illumina
Classification: Uncertain significance for Familial adenomatous polyposis 2. Last evaluated: 2017-04-28. Review status: criteria provided, single submitter. Criteria: ICSL Variant Classification Criteria 13 December 2019. Collection method: clinical testing. Allele origin: germline.
Comment: This variant was observed as part of a predisposition screen in an ostensibly healthy population. A literature search was performed for the gene, cDNA change, and amino acid change (where applicable). Publications were found based on this search. However, the evidence from the literature, in combination with allele frequency data from public databases where available, was not sufficient to rule this variant in or out of causing disease. Therefore, this variant is classified as a variant of unknown significance.

Color Diagnostics, LLC DBA Color Health
Classification: Likely benign for Hereditary cancer-predisposing syndrome. Last evaluated: 2016-06-23. Review status: criteria provided, single submitter. Criteria: ACMG Guidelines, 2015. Collection method: clinical testing. Allele origin: germline.

GeneDx
Classification: Benign. Last evaluated: 2015-04-13. Review status: criteria provided, single submitter. Criteria: GeneDx Variant Classification (06012015). Collection method: clinical testing. Allele origin: germline. Affected: yes.
Comment: This variant is considered likely benign or benign based on one or more of the following criteria: it is a conservative change, it occurs at a poorly conserved position in the protein, it is predicted to be benign by multiple in silico algorithms, and/or has population frequency not consistent with disease.

Ambry Genetics
Classification: Likely benign for Hereditary cancer-predisposing syndrome. Last evaluated: 2014-07-28. Review status: criteria provided, single submitter. Criteria: Ambry Variant Classification Scheme 2023. Collection method: clinical testing. Allele origin: germline.

PreventionGenetics, part of Exact Sciences
Classification: Likely benign for MUTYH-related condition. Last evaluated: 2019-09-13. Review status: no assertion criteria provided. Collection method: clinical testing. Allele origin: germline. Not counted in ClinVar's aggregate classification.
Comment: This variant is classified as likely benign based on ACMG/AMP sequence variant interpretation guidelines (Richards et al. 2015 PMID: 25741868, with internal and published modifications).

Literature cited by the submitters: PubMed 14579148 (cited by Quest Diagnostics Nichols Institute San Juan Capistrano); PubMed 17524638 (cited by Quest Diagnostics Nichols Institute San Juan Capistrano and Illumina Laboratory Services, Illumina); PubMed 17949294 (cited by Quest Diagnostics Nichols Institute San Juan Capistrano).